The following is an entry in ClinVar:

ClinVar aggregate classification (germline): Pathogenic/Likely pathogenic. Review status: criteria provided, multiple submitters, no conflicts (2 of 4 stars). 2 submissions from 2 submitters: Pathogenic (1); Likely pathogenic (1). Last evaluated 2024-04-04.

Conditions:
Cystic fibrosis (CF). Also called: MUCOVISCIDOSIS. Identifiers: Orphanet 586, MedGen C0010674, MONDO:0009061, OMIM 219700. Disease mechanism: loss of function.

Submissions (2):

Genomic Medicine Center of Excellence, King Faisal Specialist Hospital and Research Centre
Classification: Likely pathogenic for Cystic fibrosis. Last evaluated: 2024-04-04. Review status: criteria provided, single submitter. Criteria: ACMG Guidelines, 2015. Collection method: clinical testing. Allele origin: germline.

Institute of Human Genetics, University of Leipzig Medical Center
Classification: Pathogenic for Cystic fibrosis. Last evaluated: 2022-09-05. Review status: criteria provided, single submitter. Criteria: ACMG Guidelines, 2015. Collection method: curation. Allele origin: unknown. Affected: yes. Observed: 1 variant allele.
Comment: The variant was classified in the context of a project re-classifying variants in the German Cystic Fibrosis Registry (Muko.e.V.). Criteria applied: PVS1, PS1, PM2_SUP, PP4

NM_000492.4(CFTR):c.2739T>G (p.Tyr913Ter)

Gene: CFTR (CF transmembrane conductance regulator; plus strand). Cytogenetic location: 7q31.2.
Variant type: single nucleotide variant.
Coding change: c.2739T>G on transcript NM_000492.4 (MANE Select); coding-DNA position 2739, T replaced by G.
Protein change: p.Tyr913Ter; replaces tyrosine 913 with a stop codon.
Molecular consequence: nonsense.
Genome position (GRCh38, 1-based): chr7:117,603,613, T>G. VCF-style: chr7-117603613-T-G. GRCh37 (hg19) VCF-style: chr7-117243667-T-G.
Other names: short protein forms Y913*.
Identifiers: ClinVar variation 1706007 (VCV001706007.2), dbSNP rs149790377, ClinGen allele CA368986574.